The following is an entry in ClinVar:

ClinVar aggregate classification (germline): Uncertain significance (1 of 4 stars; one submission).

Conditions:
Hereditary cancer-predisposing syndrome. Also called: Neoplastic Syndromes, Hereditary; Tumor predisposition; Hereditary Cancer Syndrome; Hereditary neoplastic syndrome. Identifiers: Orphanet 140162, MedGen C0027672, MeSH D009386, MONDO:0015356.

gnomAD v4.1: 1 of 1,613,218 alleles (0.000062%); highest among the groups gnomAD compares: Non-Finnish European, 0.000085%; no homozygotes.

Submission:

Ambry Genetics
Classification: Uncertain significance for Hereditary cancer-predisposing syndrome. Last evaluated: 2026-02-24. Review status: criteria provided, single submitter. Criteria: Ambry Variant Classification Scheme 2023. Collection method: clinical testing. Allele origin: germline.
Comment: The p.A1375V variant (also known as c.4124C>T), located in coding exon 23 of the PTCH1 gene, results from a C to T substitution at nucleotide position 4124. The alanine at codon 1375 is replaced by valine, an amino acid with similar properties. This amino acid position is highly conserved in available vertebrate species. In addition, the in silico prediction for this alteration is inconclusive. Based on the available evidence, the clinical significance of this variant remains unclear.

NM_000264.5(PTCH1):c.4124C>T (p.Ala1375Val)

Gene: PTCH1 (patched 1; minus strand). Cytogenetic location: 9q22.32.
Variant type: single nucleotide variant.
Coding change: c.4124C>T on transcript NM_000264.5 (MANE Select); coding-DNA position 4124, C replaced by T.
Protein change: p.Ala1375Val; replaces alanine 1375 with valine.
Molecular consequence: missense variant. On other transcripts: non-coding transcript variant (1).
Genome position (GRCh38, 1-based): chr9:95,447,132, G>A on the plus strand (C>T on the coding strand, the complement: PTCH1 is on the minus strand). VCF-style: chr9-95447132-G-A. GRCh37 (hg19) VCF-style: chr9-98209414-G-A.
Other names: c.3926C>T, p.Ala1309Val (NM_001083602.3); c.4121C>T, p.Ala1374Val (NM_001083603.3); c.3671C>T, p.Ala1224Val (NM_001083604.3, NM_001083605.3, NM_001083606.3 and 1 more transcripts); c.3968C>T, p.Ala1323Val (NM_001354918.2); short protein forms A1309V, A1375V, A1323V, A1224V, A1374V.
Identifiers: ClinVar variation 4825053 (VCV004825053.1).